The following is an entry in ClinVar:

ClinVar aggregate classification (germline): Pathogenic (0 of 4 stars; one submission).

Conditions:
Familial cardiomyopathy. Identifiers: MedGen C0264789, MONDO:0005217.

Allele frequency attached by ClinVar (database versions not stated): gnomAD exomes below 0.00001.
gnomAD v4.1: 1 of 1,613,604 alleles (0.000062%); highest among the groups gnomAD compares: Non-Finnish European, 0.000085%; no homozygotes.

Submission:

Evolutionary and Medical Genetics Laboratory,  Centre for Cellular and Molecular Biology
Classification: Pathogenic. Review status: no assertion criteria provided. Collection method: not provided. Allele origin: unknown.
Comment: Splice site
ClinVar note: Converted during submission from pathogenic to Pathogenic.

NM_000257.4(MYH7):c.1956+2T>G

Gene: MYH7 (myosin heavy chain 7; minus strand). Cytogenetic location: 14q11.2.
Variant type: single nucleotide variant.
Coding change: c.1956+2T>G on transcript NM_000257.4 (MANE Select); the canonical splice donor site of the intron after coding-DNA position 1956, T replaced by G.
Molecular consequence: splice donor variant.
Genome position (GRCh38, 1-based): chr14:23,427,238, A>C on the plus strand (T>G on the coding strand, the complement: MYH7 is on the minus strand). VCF-style: chr14-23427238-A-C. GRCh37 (hg19) VCF-style: chr14-23896447-A-C.
Other names: SS; c.1956+2T>G (NM_001407004.1).
Identifiers: ClinVar variation 132920 (VCV000132920.2), dbSNP rs606231329, ClinGen allele CA011518.